The following is an entry in ClinVar:

ClinVar aggregate classification (germline): Uncertain significance (1 of 4 stars; one submission).

gnomAD v4.1: 3 of 1,590,460 alleles (0.00019%); highest among the groups gnomAD compares: Non-Finnish European, 0.00017%; no homozygotes.

Submission:

GeneDx
Classification: Uncertain significance. Last evaluated: 2023-08-08. Review status: criteria provided, single submitter. Criteria: GeneDx Variant Classification Process June 2021. Collection method: clinical testing. Allele origin: germline. Affected: yes.
Comment: Not observed at significant frequency in large population cohorts (gnomAD); In silico analysis supports that this missense variant has a deleterious effect on protein structure/function; Has not been previously published as pathogenic or benign to our knowledge

NM_001297595.2(SIN3B):c.2635G>A (p.Glu879Lys)

Gene: SIN3B (SIN3 transcription regulator family member B; plus strand). Cytogenetic location: 19p13.11.
Variant type: single nucleotide variant.
Coding change: c.2635G>A on transcript NM_001297595.2 (MANE Select); coding-DNA position 2635, G replaced by A.
Protein change: p.Glu879Lys; replaces glutamic acid 879 with lysine.
Molecular consequence: missense variant.
Genome position (GRCh38, 1-based): chr19:16,876,097, G>A. VCF-style: chr19-16876097-G-A. GRCh37 (hg19) VCF-style: chr19-16986908-G-A.
Other names: c.1405G>A, p.Glu469Lys (NM_001297597.2); c.2731G>A, p.Glu911Lys (NM_015260.4); short protein forms E469K, E879K, E911K.
Identifiers: ClinVar variation 3361513 (VCV003361513.1).